The following is an entry in ClinVar:

ClinVar aggregate classification (germline): Likely pathogenic. Review status: criteria provided, multiple submitters, no conflicts (2 of 4 stars). 2 submissions from 2 submitters: Likely pathogenic (2). Last evaluated 2025-04-03.

Conditions:
Megalencephalic leukoencephalopathy with subcortical cysts. Also called: VAN DER KNAAP DISEASE. Identifiers: Orphanet 2478, MedGen C1858854, MONDO:0011391.
Megalencephalic leukoencephalopathy with subcortical cysts 1 (MLC1). Also called: LEUKOENCEPHALOPATHY WITH SWELLING AND CYSTS; VACUOLATING MEGALENCEPHALIC LEUKOENCEPHALOPATHY WITH SUBCORTICAL CYSTS. Identifiers: Orphanet 2478, MedGen C5779875, MONDO:0024555, OMIM 604004.

Submissions (2):

Natera, Inc.
Classification: Likely pathogenic for Megalencephalic leukoencephalopathy with subcortical cysts. Last evaluated: 2025-04-03. Review status: criteria provided, single submitter. Criteria: Natera Variant Classification Schema (03/2026). Collection method: clinical testing. Allele origin: germline.
Comment: The c.803C>G variant in MLC1 is a missense variant predicted to cause substitution of threonine to arginine at amino acid 268. This variant is rare in the general population with a frequency below the threshold expected for the associated phenotype(s). This variant has been observed in one or more individuals affected with the associated recessive disease, as either homozygous or compound heterozygous with a second variant (PMID: 27322623). Computational prediction algorithms indicate this variant is likely to affect gene or protein function. Given the available evidence, this variant is classified as Likely Pathogenic.

Baylor Genetics
Classification: Likely pathogenic for Megalencephalic leukoencephalopathy with subcortical cysts 1. Last evaluated: 2023-07-03. Review status: criteria provided, single submitter. Criteria: ACMG Guidelines, 2015. Collection method: clinical testing. Allele origin: unknown.

Literature cited by the submitters: PubMed 27322623 (cited by Natera, Inc.).

NM_015166.4(MLC1):c.803C>G (p.Thr268Arg)

Gene: MLC1 (modulator of VRAC current 1; minus strand). Cytogenetic location: 22q13.33.
Variant type: single nucleotide variant.
Coding change: c.803C>G on transcript NM_015166.4 (MANE Select); coding-DNA position 803, C replaced by G.
Protein change: p.Thr268Arg; replaces threonine 268 with arginine.
Molecular consequence: missense variant. On other transcripts: non-coding transcript variant (3).
Genome position (GRCh38, 1-based): chr22:50,068,524, G>C on the plus strand (C>G on the coding strand, the complement: MLC1 is on the minus strand). VCF-style: chr22-50068524-G-C. GRCh37 (hg19) VCF-style: chr22-50506953-G-C.
Other names: c.803C>G, p.Thr268Arg (NM_001376472.1, NM_001376473.1, NM_001376474.1 and 5 more transcripts); c.746C>G, p.Thr249Arg (NM_001376479.1); c.713C>G, p.Thr238Arg (NM_001376480.1); c.701C>G, p.Thr234Arg (NM_001376481.1); c.647C>G, p.Thr216Arg (NM_001376482.1, NM_001376483.1); c.566C>G, p.Thr189Arg (NM_001376484.1); c.803C>G (NM_015166.3); short protein forms T189R, T216R, T234R, T238R, T249R, T268R.
Identifiers: ClinVar variation 2676563 (VCV002676563.2), dbSNP rs780903222, ClinGen allele CA412107773.